The following is an entry in ClinVar:

ClinVar aggregate classification (germline): Uncertain significance. Review status: criteria provided, single submitter (1 of 4 stars). 2 submissions from 2 submitters: Uncertain significance (1). 1 of the submissions does not count toward it. Last evaluated 2018-01-13.

Conditions:
Farber lipogranulomatosis (FRBRL). Also called: Farber's lipogranulomatosis; Farber's disease; Farber disease; AC DEFICIENCY; ACID CERAMIDASE DEFICIENCY; CERAMIDASE DEFICIENCY. Identifiers: Orphanet 333, MedGen C0268255, MONDO:0009218, OMIM 228000.
ASAH1-related disorders. Also called: ASAH1-related condition; ASAH1-related disorder. Identifiers: MedGen CN376120, MONDO:0800460.

Allele frequency attached by ClinVar (database versions not stated): ESP Exome Variant Server 0.00008; TOPMed 0.00014.
gnomAD v4.1: 305 of 1,598,450 alleles (0.019%); highest among the groups gnomAD compares: Non-Finnish European, 0.024%; no homozygotes.

Submissions (2):

Illumina Laboratory Services, Illumina
Classification: Uncertain significance for Farber lipogranulomatosis. Last evaluated: 2018-01-13. Review status: criteria provided, single submitter. Criteria: ICSL Variant Classification Criteria 13 December 2019. Collection method: clinical testing. Allele origin: germline.

PreventionGenetics, part of Exact Sciences
Classification: Likely benign for ASAH1-related condition. Last evaluated: 2024-03-11. Review status: no assertion criteria provided. Collection method: clinical testing. Allele origin: germline. Not counted in ClinVar's aggregate classification.
Comment: This variant is classified as likely benign based on ACMG/AMP sequence variant interpretation guidelines (Richards et al. 2015 PMID: 25741868, with internal and published modifications).

NM_177924.5(ASAH1):c.-2C>G

Genes: ASAH1 (N-acylsphingosine amidohydrolase 1; minus strand), LOC129999940 (ATAC-STARR-seq lymphoblastoid silent region 18966; plus strand). Cytogenetic location: 8p22.
Variant type: single nucleotide variant.
Coding change: c.-2C>G on transcript NM_177924.5 (MANE Select); 2 bases upstream of the start codon, C replaced by G.
Molecular consequence: 5 prime UTR variant. On other transcripts: intron variant (2).
Genome position (GRCh38, 1-based): chr8:18,084,060, G>C on the plus strand (C>G on the coding strand, the complement: ASAH1 is on the minus strand). VCF-style: chr8-18084060-G-C. GRCh37 (hg19) VCF-style: chr8-17941569-G-C.
Other names: c.126+616C>G (NM_004315.6, NM_001127505.3); c.-2C>G (NM_177924.4).
Identifiers: ClinVar variation 362386 (VCV000362386.7), dbSNP rs371791165, ClinGen allele CA4651146.
Genomic context (GRCh38, chr8:18,084,060, plus strand): 5'-ACGGCACAGCTGACGGCGGCAGCCAGGAGGACTAAGGCGACGCAACTCCGGCCCGGCATC[G>C]CTCTAGCAGCCAACGCCACTCCCCGGACTCCAGCAGAGGCAAAGAAGAGCCGGCTGGGCC-3'